The following is an entry in ClinVar:

ClinVar aggregate classification (germline): Uncertain significance (1 of 4 stars; one submission).

gnomAD v4.1: 14 of 1,613,996 alleles (0.00087%); highest among the groups gnomAD compares: Non-Finnish European, 0.00076%; no homozygotes.

Submission:

CeGaT Center for Human Genetics Tuebingen
Classification: Uncertain significance. Last evaluated: 2026-07-01. Review status: criteria provided, single submitter. Criteria: CeGaT Center For Human Genetics Tuebingen Variant Classification Criteria Version 2. Collection method: clinical testing. Allele origin: germline. Affected: yes. Observed: 1 variant allele.
Comment: CFAP58: PM2, BP4

NM_001008723.2(CFAP58):c.79C>T (p.Leu27Phe)

Gene: CFAP58 (cilia and flagella associated protein 58; plus strand). Cytogenetic location: 10q25.1.
Variant type: single nucleotide variant.
Coding change: c.79C>T on transcript NM_001008723.2 (MANE Select); coding-DNA position 79, C replaced by T.
Protein change: p.Leu27Phe; replaces leucine 27 with phenylalanine.
Molecular consequence: missense variant.
Genome position (GRCh38, 1-based): chr10:104,358,410, C>T. VCF-style: chr10-104358410-C-T. GRCh37 (hg19) VCF-style: chr10-106118168-C-T.
Other names: c.25C>T, p.Leu9Phe (NM_001400226.1, NM_001400227.1); short protein forms L27F, L9F.
Identifiers: ClinVar variation 5039282 (VCV005039282.1).